The following is an entry in ClinVar:

NM_000540.3(RYR1):c.2920G>C (p.Val974Leu)

Gene: RYR1 (ryanodine receptor 1; plus strand). Cytogenetic location: 19q13.2.
Variant type: single nucleotide variant.
Coding change: c.2920G>C on transcript NM_000540.3 (MANE Select); coding-DNA position 2920, G replaced by C.
Protein change: p.Val974Leu; replaces valine 974 with leucine.
Molecular consequence: missense variant.
Genome position (GRCh38, 1-based): chr19:38,466,140, G>C. VCF-style: chr19-38466140-G-C. GRCh37 (hg19) VCF-style: chr19-38956780-G-C.
Other names: c.2920G>C, p.Val974Leu (NM_001042723.2); short protein forms V974L.
Identifiers: ClinVar variation 5008763 (VCV005008763.1).

ClinVar aggregate classification (germline): Uncertain significance (1 of 4 stars; one submission).

Submission:

GeneDx
Classification: Uncertain significance. Last evaluated: 2026-03-07. Review status: criteria provided, single submitter. Criteria: GeneDx Variant Classification Process June 2021. Collection method: clinical testing. Allele origin: germline.
Comment: Not observed at significant frequency in large population cohorts (gnomAD); In silico analysis suggests that this missense variant does not alter protein structure/function; Has not been previously published as pathogenic or benign to our knowledge